The following is an entry in ClinVar:

ClinVar aggregate classification (germline): Uncertain significance (0 of 4 stars; one submission).

Conditions:
TBC1D1-related disorder. Also called: TBC1D1-related condition.

Allele frequency attached by ClinVar (database versions not stated): ExAC 0.00001; gnomAD 0.00003; TOPMed 0.00004; ESP Exome Variant Server 0.00008; gnomAD exomes 0.00008.
gnomAD v4.1: 123 of 1,611,972 alleles (0.0076%); highest among the groups gnomAD compares: Non-Finnish European, 0.0098%; no homozygotes.

Submission:

PreventionGenetics, part of Exact Sciences
Classification: Uncertain significance for TBC1D1-related condition. Last evaluated: 2024-02-14. Review status: no assertion criteria provided. Collection method: clinical testing. Allele origin: germline.
Comment: The TBC1D1 c.62T>A variant is predicted to result in the amino acid substitution p.Phe21Tyr. To our knowledge, this variant has not been reported in the literature. This variant is reported in 0.0071% of alleles in individuals of European (non-Finnish) descent in gnomAD. At this time, the clinical significance of this variant is uncertain due to the absence of conclusive functional and genetic evidence.

NM_001396959.1(TBC1D1):c.62T>A (p.Phe21Tyr)

Gene: TBC1D1 (TBC1 domain family member 1; plus strand). Cytogenetic location: 4p14.
Variant type: single nucleotide variant.
Coding change: c.62T>A on transcript NM_001396959.1 (MANE Select); coding-DNA position 62, T replaced by A.
Protein change: p.Phe21Tyr; replaces phenylalanine 21 with tyrosine.
Molecular consequence: missense variant.
Genome position (GRCh38, 1-based): chr4:37,902,157, T>A. VCF-style: chr4-37902157-T-A. GRCh37 (hg19) VCF-style: chr4-37903778-T-A.
Other names: c.62T>A, p.Phe21Tyr (NM_001253912.2, NM_015173.4); short protein forms F21Y.
Identifiers: ClinVar variation 3030620 (VCV003030620.2), dbSNP rs376073388, ClinGen allele CA2887200.